The following is an entry in ClinVar:

NM_144596.4(TTC8):c.1425T>G (p.Ser475=)

Gene: TTC8 (tetratricopeptide repeat domain 8; plus strand). Cytogenetic location: 14q31.3.
Variant type: single nucleotide variant.
Coding change: c.1425T>G on transcript NM_144596.4 (MANE Select); coding-DNA position 1425, T replaced by G.
Protein change: p.Ser475=; no amino-acid change (serine 475 retained).
Molecular consequence: synonymous variant. On other transcripts: non-coding transcript variant (1), intron variant (2).
Genome position (GRCh38, 1-based): chr14:88,875,103, T>G. VCF-style: chr14-88875103-T-G. GRCh37 (hg19) VCF-style: chr14-89341447-T-G.
Other names: c.1473T>G, p.Ser491= (NM_001288781.1); c.831T>G, p.Ser277= (NM_001288782.1); c.708T>G, p.Ser236= (NM_001288783.1); c.1395T>G, p.Ser465= (NM_198309.3); c.1305T>G, p.Ser435= (NM_198310.3); c.1318-2191T>G (NM_001366535.2); c.1228-2191T>G (NM_001366536.2).
Identifiers: ClinVar variation 3356628 (VCV003356628.1).

ClinVar aggregate classification (germline): Likely benign (0 of 4 stars; one submission).

Conditions:
TTC8-related disorder. Also called: TTC8-related condition.

Submission:

PreventionGenetics, part of Exact Sciences
Classification: Likely benign for TTC8-related condition. Last evaluated: 2024-09-12. Review status: no assertion criteria provided. Collection method: clinical testing. Allele origin: germline.
Comment: This variant is classified as likely benign based on ACMG/AMP sequence variant interpretation guidelines (Richards et al. 2015 PMID: 25741868, with internal and published modifications).